The following is an entry in ClinVar:

NM_198994.3(TGM6):c.1283C>T (p.Ala428Val)

Gene: TGM6 (transglutaminase 6; plus strand). Cytogenetic location: 20p13.
Variant type: single nucleotide variant.
Coding change: c.1283C>T on transcript NM_198994.3 (MANE Select); coding-DNA position 1283, C replaced by T.
Protein change: p.Ala428Val; replaces alanine 428 with valine.
Molecular consequence: missense variant.
Genome position (GRCh38, 1-based): chr20:2,403,770, C>T. VCF-style: chr20-2403770-C-T. GRCh37 (hg19) VCF-style: chr20-2384416-C-T.
Other names: c.1283C>T, p.Ala428Val (NM_001254734.2); short protein forms A428V.
Identifiers: ClinVar variation 2969857 (VCV002969857.1), dbSNP rs1184783958, ClinGen allele CA408013308.

ClinVar aggregate classification (germline): Uncertain significance (1 of 4 stars; one submission).

Allele frequency attached by ClinVar (database versions not stated): gnomAD 0.00001; TOPMed 0.00002.
gnomAD v4.1: 8 of 1,614,044 alleles (0.0005%); highest among the groups gnomAD compares: East Asian, 0.0022%; no homozygotes.

Submission:

Labcorp Genetics (formerly Invitae), Labcorp
Classification: Uncertain significance. Last evaluated: 2023-12-12. Review status: criteria provided, single submitter. Criteria: Invitae Variant Classification Sherloc (09022015). Collection method: clinical testing. Allele origin: germline.
Comment: This sequence change replaces alanine, which is neutral and non-polar, with valine, which is neutral and non-polar, at codon 428 of the TGM6 protein (p.Ala428Val). The frequency data for this variant in the population databases is considered unreliable, as metrics indicate poor data quality at this position in the gnomAD database. This variant has not been reported in the literature in individuals affected with TGM6-related conditions. Advanced modeling of protein sequence and biophysical properties (such as structural, functional, and spatial information, amino acid conservation, physicochemical variation, residue mobility, and thermodynamic stability) performed at Invitae indicates that this missense variant is not expected to disrupt TGM6 protein function with a negative predictive value of 80%. In summary, the available evidence is currently insufficient to determine the role of this variant in disease. Therefore, it has been classified as a Variant of Uncertain Significance.